The following is an entry in ClinVar:

NM_006348.5(COG5):c.1686+3A>G

Genes: COG5 (component of oligomeric golgi complex 5; minus strand), LOC129389837 (MPRA-validated peak6677 silencer; plus strand). Cytogenetic location: 7q22.3.
Variant type: single nucleotide variant.
Coding change: c.1686+3A>G on transcript NM_006348.5 (MANE Select); 3 bases into the intron after coding-DNA position 1686, A replaced by G.
Molecular consequence: intron variant.
Genome position (GRCh38, 1-based): chr7:107,258,270, T>C on the plus strand (A>G on the coding strand, the complement: COG5 is on the minus strand). VCF-style: chr7-107258270-T-C. GRCh37 (hg19) VCF-style: chr7-106898715-T-C.
Other names: c.972+3A>G (NM_001379516.1); c.1116+3A>G (NM_001379515.1); c.1524+3A>G (NM_001379511.1); c.1576-9771A>G (NM_001379512.1); c.1686+3A>G (NM_181733.4, NM_001379514.1, NM_001379513.1 and 1 more transcripts).
Identifiers: ClinVar variation 2167622 (VCV002167622.4), dbSNP rs1424119967, ClinGen allele CA577180230.

ClinVar aggregate classification (germline): Uncertain significance (1 of 4 stars; one submission).

Conditions:
COG5-congenital disorder of glycosylation. Also called: CDG IIi; CONGENITAL DISORDER OF GLYCOSYLATION, TYPE IIi; COG5-CDG. Identifiers: Orphanet 263487, MedGen C3150876, MONDO:0013325, OMIM 613612.

Allele frequency attached by ClinVar (database versions not stated): gnomAD exomes below 0.00001.
gnomAD v4.1: 1 of 1,555,618 alleles (0.000064%); highest among the groups gnomAD compares: Non-Finnish European, 0.000089%; no homozygotes.

Submission:

Labcorp Genetics (formerly Invitae), Labcorp
Classification: Uncertain significance for COG5-congenital disorder of glycosylation. Last evaluated: 2022-06-08. Review status: criteria provided, single submitter. Criteria: Invitae Variant Classification Sherloc (09022015). Collection method: clinical testing. Allele origin: germline.
Comment: This variant has not been reported in the literature in individuals affected with COG5-related conditions. This variant is present in population databases (no rsID available, gnomAD 0.0009%). This sequence change falls in intron 15 of the COG5 gene. It does not directly change the encoded amino acid sequence of the COG5 protein. It affects a nucleotide within the consensus splice site. In summary, the available evidence is currently insufficient to determine the role of this variant in disease. Therefore, it has been classified as a Variant of Uncertain Significance. Variants that disrupt the consensus splice site are a relatively common cause of aberrant splicing (PMID: 17576681, 9536098). Algorithms developed to predict the effect of sequence changes on RNA splicing suggest that this variant is not likely to affect RNA splicing.

Literature cited by the submitters: PubMed 17576681; PubMed 9536098.